The following is an entry in ClinVar:

NM_000528.4(MAN2B1):c.764-1G>C

Gene: MAN2B1 (mannosidase alpha class 2B member 1; minus strand). Cytogenetic location: 19p13.13.
Variant type: single nucleotide variant.
Coding change: c.764-1G>C on transcript NM_000528.4 (MANE Select); the canonical splice acceptor site of the intron before coding-DNA position 764, G replaced by C.
Molecular consequence: splice acceptor variant.
Genome position (GRCh38, 1-based): chr19:12,663,463, C>G on the plus strand (G>C on the coding strand, the complement: MAN2B1 is on the minus strand). VCF-style: chr19-12663463-C-G. GRCh37 (hg19) VCF-style: chr19-12774277-C-G.
Other names: c.764-1G>C (NM_001173498.2).
Identifiers: ClinVar variation 554714 (VCV000554714.4), dbSNP rs1555709533, ClinGen allele CA404252420.

ClinVar aggregate classification (germline): Pathogenic/Likely pathogenic. Review status: criteria provided, multiple submitters, no conflicts (2 of 4 stars). 3 submissions from 3 submitters: Pathogenic (1); Likely pathogenic (1). 1 of the submissions does not count toward it. Last evaluated 2024-03-15.

Conditions:
Deficiency of alpha-mannosidase (MANSA). Also called: Mannosidosis, alpha-, types I and II; Alpha-Mannosidosis; LYSOSOMAL ALPHA-D-MANNOSIDASE DEFICIENCY. Identifiers: Orphanet 61, MedGen C0024748, MONDO:0009561, OMIM 248500.

Submissions (3):

Natera, Inc.
Classification: Likely pathogenic for Alpha-mannosidosis. Last evaluated: 2024-03-15. Review status: criteria provided, single submitter. Criteria: Natera Variant Classification Schema (03/2026). Collection method: clinical testing. Allele origin: germline.
Comment: The c.764-1G>C variant in MAN2B1 is a canonical splice acceptor site variant predicted to affect pre-mRNA splicing, which may result in an abnormal transcript and altered protein product. This variant is expected to result in nonsense mediated decay, truncation, or a dysfunctional protein product. This variant is rare in the general population with a frequency below the threshold expected for the associated phenotype(s). Functional studies show that this variant may disrupt protein function (PMID: 9915946). Given the available evidence, this variant is classified as Likely Pathogenic.

Baylor Genetics
Classification: Pathogenic for Deficiency of alpha-mannosidase. Last evaluated: 2024-03-08. Review status: criteria provided, single submitter. Criteria: ACMG Guidelines, 2015. Collection method: clinical testing. Allele origin: unknown.

Counsyl
Classification: Likely pathogenic for Deficiency of alpha-mannosidase. Last evaluated: 2017-11-01. Review status: no assertion criteria provided. Collection method: clinical testing. Allele origin: unknown. Not counted in ClinVar's aggregate classification.

Literature cited by the submitters: PubMed 9915946 (cited by Natera, Inc. and Counsyl); PubMed 15035660 (cited by Counsyl).